The following is an entry in ClinVar:

ClinVar aggregate classification (germline): Uncertain significance (1 of 4 stars; one submission).

Conditions:
Fanconi anemia (FA). Also called: Fanconi's anemia. Identifiers: Orphanet 84, MedGen C0015625, MeSH D005199, MONDO:0019391.

gnomAD v4.1: 13 of 1,614,154 alleles (0.00081%); highest among the groups gnomAD compares: Non-Finnish European, 0.0011%; no homozygotes.

Submission:

Labcorp Genetics (formerly Invitae), Labcorp
Classification: Uncertain significance for Fanconi anemia. Last evaluated: 2025-05-25. Review status: criteria provided, single submitter. Criteria: Invitae Variant Classification Sherloc (09022015). Collection method: clinical testing. Allele origin: germline.
Comment: This sequence change replaces asparagine, which is neutral and polar, with isoleucine, which is neutral and non-polar, at codon 72 of the FANCM protein (p.Asn72Ile). This variant is present in population databases (no rsID available, gnomAD 0.0009%). This variant has not been reported in the literature in individuals affected with FANCM-related conditions. An algorithm developed to predict the effect of missense changes on protein structure and function (PolyPhen-2) suggests that this variant is likely to be tolerated. In summary, the available evidence is currently insufficient to determine the role of this variant in disease. Therefore, it has been classified as a Variant of Uncertain Significance.

NM_020937.4(FANCM):c.215A>T (p.Asn72Ile)

Gene: FANCM (FA complementation group M; plus strand). Cytogenetic location: 14q21.2.
Variant type: single nucleotide variant.
Coding change: c.215A>T on transcript NM_020937.4 (MANE Select); coding-DNA position 215, A replaced by T.
Protein change: p.Asn72Ile; replaces asparagine 72 with isoleucine.
Molecular consequence: missense variant.
Genome position (GRCh38, 1-based): chr14:45,136,246, A>T. VCF-style: chr14-45136246-A-T. GRCh37 (hg19) VCF-style: chr14-45605449-A-T.
Other names: c.215A>T, p.Asn72Ile (NM_001308133.2, NM_001308134.2); short protein forms N72I.
Identifiers: ClinVar variation 4724304 (VCV004724304.1).